The following is an entry in ClinVar:

NM_000038.6(APC):c.747G>A (p.Lys249=)

Gene: APC (APC regulator of Wnt signaling pathway; plus strand). Cytogenetic location: 5q22.2.
Variant type: single nucleotide variant.
Coding change: c.747G>A on transcript NM_000038.6 (MANE Select); coding-DNA position 747, G replaced by A.
Protein change: p.Lys249=; no amino-acid change (lysine 249 retained).
Molecular consequence: synonymous variant. On other transcripts: 5 prime UTR variant (1).
Genome position (GRCh38, 1-based): chr5:112,801,296, G>A. VCF-style: chr5-112801296-G-A. GRCh37 (hg19) VCF-style: chr5-112136993-G-A.
Other names: c.747G>A, p.Lys249= (NM_001127510.3, NM_001354895.2, NM_001354896.2 and 1 more transcripts); c.693G>A, p.Lys231= (NM_001127511.3); c.777G>A, p.Lys259= (NM_001354897.2, NM_001354902.2); c.672G>A, p.Lys224= (NM_001354898.2, NM_001354904.2); c.663G>A, p.Lys221= (NM_001354899.2); c.570G>A, p.Lys190= (NM_001354900.2, NM_001354901.2, NM_001354905.2); c.-289G>A (NM_001354906.2).
Identifiers: ClinVar variation 236646 (VCV000236646.21), dbSNP rs878853470, ClinGen allele CA10582281.

ClinVar aggregate classification (germline): Benign/Likely benign. Review status: criteria provided, multiple submitters, no conflicts (2 of 4 stars). 6 submissions from 6 submitters: Benign (1); Likely benign (5). Last evaluated 2025-08-06.

Conditions:
Hereditary cancer-predisposing syndrome. Also called: Hereditary neoplastic syndrome; Hereditary Cancer Syndrome; Neoplastic Syndromes, Hereditary; Tumor predisposition. Identifiers: Orphanet 140162, MedGen C0027672, MeSH D009386, MONDO:0015356.
Familial adenomatous polyposis 1 (FAP1). Also called: FAMILIAL ADENOMATOUS POLYPOSIS 1, ATTENUATED; POLYPOSIS, ADENOMATOUS INTESTINAL. Identifiers: MedGen C2713442, MONDO:0021056, OMIM 175100. Disease mechanism: loss of function.

Allele frequency attached by ClinVar (database versions not stated): gnomAD exomes below 0.00001; gnomAD 0.00001; TOPMed 0.00001.
gnomAD v4.1: 6 of 1,612,674 alleles (0.00037%); highest among the groups gnomAD compares: African/African-American, 0.0013%; no homozygotes.

Submissions (6):

Labcorp Genetics (formerly Invitae), Labcorp
Classification: Likely benign for Familial adenomatous polyposis 1. Last evaluated: 2025-08-06. Review status: criteria provided, single submitter. Criteria: Invitae Variant Classification Sherloc (09022015). Collection method: clinical testing. Allele origin: germline.

Women's Health and Genetics/Laboratory Corporation of America, LabCorp
Classification: Likely benign. Last evaluated: 2024-11-02. Review status: criteria provided, single submitter. Criteria: LabCorp Variant Classification Summary - May 2015. Collection method: clinical testing. Allele origin: germline.

Myriad Genetics, Inc.
Classification: Benign for Familial adenomatous polyposis 1. Last evaluated: 2024-02-26. Review status: criteria provided, single submitter. Criteria: Myriad Autosomal Dominant, Autosomal Recessive and X-Linked Classification Criteria (2023). Collection method: clinical testing. Allele origin: unknown.
Comment: This variant is considered benign. This variant is a silent/synonymous amino acid change and it is not expected to impact splicing.

Color Diagnostics, LLC DBA Color Health
Classification: Likely benign for Hereditary cancer-predisposing syndrome. Last evaluated: 2018-11-16. Review status: criteria provided, single submitter. Criteria: ACMG Guidelines, 2015. Collection method: clinical testing. Allele origin: germline.

GeneDx
Classification: Likely benign. Last evaluated: 2018-04-23. Review status: criteria provided, single submitter. Criteria: GeneDx Variant Classification (06012015). Collection method: clinical testing. Allele origin: germline. Affected: yes.
Comment: This variant is considered likely benign or benign based on one or more of the following criteria: it is a conservative change, it occurs at a poorly conserved position in the protein, it is predicted to be benign by multiple in silico algorithms, and/or has population frequency not consistent with disease.

Ambry Genetics
Classification: Likely benign for Hereditary cancer-predisposing syndrome. Last evaluated: 2017-07-19. Review status: criteria provided, single submitter. Criteria: Ambry Variant Classification Scheme 2023. Collection method: clinical testing. Allele origin: germline.